The following is an entry in ClinVar:

NM_016628.5(WAC):c.610+2T>G

Gene: WAC (WW domain containing adaptor with coiled-coil; plus strand). Cytogenetic location: 10p12.1.
Variant type: single nucleotide variant.
Coding change: c.610+2T>G on transcript NM_016628.5 (MANE Select); the canonical splice donor site of the intron after coding-DNA position 610, T replaced by G.
Molecular consequence: splice donor variant.
Genome position (GRCh38, 1-based): chr10:28,590,834, T>G. VCF-style: chr10-28590834-T-G. GRCh37 (hg19) VCF-style: chr10-28879763-T-G.
Other names: c.475+2T>G (NM_100264.3); c.610+2T>G (NM_100486.4).
Identifiers: ClinVar variation 2444361 (VCV002444361.1), dbSNP rs2491972816, ClinGen allele CA376401853.
Genomic context (GRCh38, chr10:28,590,834, plus strand): 5'-TAGGGATTACAGAAGAGAGGTGATGCAAGCAACAGCCACTAGTGGGTTTGCCAGTGGAAG[T>G]AAGTATTAATTTTTTTTCTTTGAAATGTATGTTTGACTTATTCGTATTTATTTTTCAAAT-3'

ClinVar aggregate classification (germline): Likely pathogenic (1 of 4 stars; one submission).

Conditions:
DeSanto-Shinawi syndrome due to WAC point mutation (DESSH). Also called: Facial dysmorphism-developmental delay-behavioral abnormalities syndrome due to WAC point mutation; DEVELOPMENTAL DELAY, BEHAVIORAL ABNORMALITIES, FACIAL DYSMORPHISM, AND OCULAR ABNORMALITIES; WAC-Related Intellectual Disability. Identifiers: Orphanet 284169, Orphanet 466950, MedGen C5681129, MONDO:0014741, OMIM 616708.

Submission:

3billion
Classification: Likely pathogenic for DeSanto-Shinawi syndrome due to WAC point mutation. Last evaluated: 2023-02-23. Review status: criteria provided, single submitter. Criteria: ACMG Guidelines, 2015. Collection method: clinical testing. Allele origin: unknown. Affected: yes.
Comment: The variant is not observed in the gnomAD v2.1.1 dataset. This variant was predicted to alter splicing and result in a loss or disruption of normal protein function. Multiple pathogenic loss-of-function variants are reported downstream of the variant. Therefore, this variant is classified as Likely pathogenic according to the recommendation of ACMG/AMP guideline.